The following is an entry in ClinVar:

ClinVar aggregate classification (germline): Likely pathogenic (1 of 4 stars; one submission).

Conditions:
Glucocorticoid deficiency 4. Also called: Glucocorticoid deficiency 4 with or without mineralocorticoid deficiency. Identifiers: Orphanet 361, MedGen C3553587, MONDO:0013874, OMIM 614736.

Submission:

Centre for Mendelian Genomics, University Medical Centre Ljubljana
Classification: Likely pathogenic for Glucocorticoid deficiency 4. Last evaluated: 2019-10-30. Review status: criteria provided, single submitter. Criteria: ACMG Guidelines, 2015. Collection method: clinical testing. Allele origin: unknown. Affected: yes.
Comment: This variant was classified as: Likely pathogenic. The following ACMG criteria were applied in classifying this variant: PVS1,PM2.

NM_182977.3(NNT):c.1575dup (p.Pro526fs)

Gene: NNT (nicotinamide nucleotide transhydrogenase; plus strand). Cytogenetic location: 5p12.
Variant type: Duplication.
Coding change: c.1575dup on transcript NM_182977.3 (MANE Select); coding-DNA position 1575, one base duplicated (A; older notation c.1575dupA).
Protein change: p.Pro526fs; shifts the reading frame from proline 526.
Molecular consequence: frameshift variant.
Genome position (GRCh38, 1-based): chr5:43,649,277, A duplicated. VCF-style (leftmost placement, unchanged base first): chr5-43649276-C-CA. GRCh37 (hg19) VCF-style: chr5-43649378-C-CA.
Other names: c.1182dup, p.Pro395fs (NM_001331026.2); c.1575dup, p.Pro526fs (NM_012343.4); short protein forms P395fs, P526fs.
Identifiers: ClinVar variation 930557 (VCV000930557.3), dbSNP rs1739624229, ClinGen allele CA1139658826.